The following is an entry in ClinVar:

ClinVar aggregate classification (germline): Uncertain significance. Review status: criteria provided, multiple submitters, no conflicts (2 of 4 stars). 3 submissions from 3 submitters: Uncertain significance (3). Last evaluated 2026-06-02.

Conditions:
Primary ciliary dyskinesia 17. Also called: CILIARY DYSKINESIA, PRIMARY, 17, WITH OR WITHOUT SITUS INVERSUS. Identifiers: Orphanet 244, MedGen C3542550, MONDO:0013854, OMIM 614679.
DNAAF19-related condition.

gnomAD v4.1: 5 of 1,604,480 alleles (0.00031%); highest among the groups gnomAD compares: Non-Finnish European, 0.00042%; no homozygotes.

Submissions (3):

PreventionGenetics, part of Exact Sciences
Classification: Uncertain significance for DNAAF19-related condition. Last evaluated: 2026-06-02. Review status: criteria provided, single submitter. Criteria: ACMG Guidelines, 2015. Collection method: clinical testing. Allele origin: germline.
Comment: The DNAAF19 c.83G>C variant is predicted to result in the amino acid substitution p.Arg28Pro. To our knowledge, this variant has not been reported in the literature. This variant is reported in 0.0018% of alleles in individuals of European (Non-Finnish) descent in gnomAD. At this time, the clinical significance of this variant is uncertain due to the absence of conclusive functional and genetic evidence.

Fulgent Genetics
Classification: Uncertain significance for Primary ciliary dyskinesia 17. Last evaluated: 2024-05-16. Review status: criteria provided, single submitter. Criteria: ACMG Guidelines, 2015. Collection method: clinical testing. Allele origin: germline.

Blueprint Genetics
Classification: Uncertain significance. Last evaluated: 2023-05-09. Review status: criteria provided, single submitter. Criteria: ACMG Guidelines, 2015. Collection method: clinical testing. Allele origin: germline.

NM_213607.3(DNAAF19):c.83G>C (p.Arg28Pro)

Gene: DNAAF19 (dynein axonemal assembly factor 19; plus strand). Cytogenetic location: 17q21.31.
Variant type: single nucleotide variant.
Coding change: c.83G>C on transcript NM_213607.3 (MANE Select); coding-DNA position 83, G replaced by C.
Protein change: p.Arg28Pro; replaces arginine 28 with proline.
Molecular consequence: missense variant.
Genome position (GRCh38, 1-based): chr17:44,901,081, G>C. VCF-style: chr17-44901081-G-C. GRCh37 (hg19) VCF-style: chr17-42978449-G-C.
Other names: c.83G>C, p.Arg28Pro (NM_001258395.2, NM_001258396.2, NM_001258397.3 and 2 more transcripts); c.83G>C (NM_213607.2); short protein forms R28P.
Identifiers: ClinVar variation 3582147 (VCV003582147.3).
Genomic context (GRCh38, chr17:44,901,081, plus strand): 5'-ACTTCAAGGCTTTGGAGAAAGAGCTGCAGGCTGCACTCACTGCTGATGAGAAGTACAAAC[G>C]GGAGAATGCTGCCAAGTTACGGGCAGTGGAACAGAGGGTGGCTTCCTATGAGGAGTTCAG-3'
Protein context (NP_998772.1, residues 18-38): AALTADEKYK[Arg28Pro]ENAAKLRAVE